The following is an entry in ClinVar:

ClinVar aggregate classification (germline): Conflicting classifications of pathogenicity. Review status: criteria provided, conflicting classifications (1 of 4 stars). 4 submissions from 4 submitters: Uncertain significance (3); Benign (1). Last evaluated 2025-12-05.

Allele frequency attached by ClinVar (database versions not stated): gnomAD exomes 0.00014; ExAC 0.00020; ESP Exome Variant Server 0.00033; gnomAD 0.00043 and 0.00045; TOPMed 0.00049; 1000 Genomes Project 0.00060; 1000 Genomes Project 30x 0.00062.
gnomAD v4.1: 130 of 1,613,796 alleles (0.0081%); highest among the groups gnomAD compares: African/African-American, 0.14%; no homozygotes.

Submissions (4):

Labcorp Genetics (formerly Invitae), Labcorp
Classification: Benign. Last evaluated: 2025-12-05. Review status: criteria provided, single submitter. Criteria: Invitae Variant Classification Sherloc (09022015). Collection method: clinical testing. Allele origin: germline.

Revvity Omics, Revvity
Classification: Uncertain significance. Last evaluated: 2023-07-25. Review status: criteria provided, single submitter. Criteria: ACMG Guidelines, 2015. Collection method: clinical testing. Allele origin: germline.

GeneDx
Classification: Uncertain significance. Last evaluated: 2022-09-09. Review status: criteria provided, single submitter. Criteria: GeneDx Variant Classification Process June 2021. Collection method: clinical testing. Allele origin: germline. Affected: yes.
Comment: In silico analysis supports that this missense variant has a deleterious effect on protein structure/function; Has not been previously published as pathogenic or benign to our knowledge

ARUP Laboratories, Molecular Genetics and Genomics, ARUP Laboratories
Classification: Uncertain significance. Last evaluated: 2018-11-15. Review status: criteria provided, single submitter. Criteria: ARUP Molecular Germline Variant Investigation Process. Collection method: clinical testing. Allele origin: germline.
Comment: The SPTA1 c.3742C>T; Arg1248Trp variant (rs200714808), to our knowledge, is not reported in the medical literature or gene specific databases. This variant is found predominantly in the African population with an overall allele frequency of 0.17% (41/24182 alleles, including no homozygotes) in the Genome Aggregation Database. The arginine at codon 1248 is highly conserved but computational analyses (SIFT: damaging, PolyPhen-2: benign) predict conflicting effects of this variant on protein structure/function. Due to limited information, the clinical significance of this variant is uncertain at this time.

NM_003126.4(SPTA1):c.3742C>T (p.Arg1248Trp)

Gene: SPTA1 (spectrin alpha, erythrocytic 1; minus strand). Cytogenetic location: 1q23.1.
Variant type: single nucleotide variant.
Coding change: c.3742C>T on transcript NM_003126.4 (MANE Select); coding-DNA position 3742, C replaced by T.
Protein change: p.Arg1248Trp; replaces arginine 1248 with tryptophan.
Molecular consequence: missense variant.
Genome position (GRCh38, 1-based): chr1:158,647,693, G>A on the plus strand (C>T on the coding strand, the complement: SPTA1 is on the minus strand). VCF-style: chr1-158647693-G-A. GRCh37 (hg19) VCF-style: chr1-158617483-G-A.
Other names: c.3742C>T (NM_003126.2); short protein forms R1248W.
Identifiers: ClinVar variation 811193 (VCV000811193.18), dbSNP rs200714808, ClinGen allele CA1182938.